The following is an entry in ClinVar:

ClinVar aggregate classification (germline): Uncertain significance (1 of 4 stars; one submission).

Conditions:
Pitt-Hopkins-like syndrome 2 (PTHSL2). Identifiers: Orphanet 221150, Orphanet 600663, MedGen C3280479, MONDO:0013690, OMIM 614325.

Allele frequency attached by ClinVar (database versions not stated): gnomAD exomes below 0.00001.

Submission:

Labcorp Genetics (formerly Invitae), Labcorp
Classification: Uncertain significance for Pitt-Hopkins-like syndrome 2. Last evaluated: 2024-07-06. Review status: criteria provided, single submitter. Criteria: Invitae Variant Classification Sherloc (09022015). Collection method: clinical testing. Allele origin: germline.
Comment: This sequence change replaces glutamic acid, which is acidic and polar, with lysine, which is basic and polar, at codon 80 of the NRXN1 protein (p.Glu80Lys). This variant is not present in population databases (gnomAD no frequency). This variant has not been reported in the literature in individuals affected with NRXN1-related conditions. ClinVar contains an entry for this variant (Variation ID: 1499477). An algorithm developed to predict the effect of missense changes on protein structure and function (PolyPhen-2) suggests that this variant is likely to be disruptive. In summary, the available evidence is currently insufficient to determine the role of this variant in disease. Therefore, it has been classified as a Variant of Uncertain Significance.

NM_001330078.2(NRXN1):c.238G>A (p.Glu80Lys)

Gene: NRXN1 (neurexin 1; minus strand). Cytogenetic location: 2p16.3.
Variant type: single nucleotide variant.
Coding change: c.238G>A on transcript NM_001330078.2 (MANE Select); coding-DNA position 238, G replaced by A.
Protein change: p.Glu80Lys; replaces glutamic acid 80 with lysine.
Molecular consequence: missense variant.
Genome position (GRCh38, 1-based): chr2:51,028,036, C>T on the plus strand (G>A on the coding strand, the complement: NRXN1 is on the minus strand). VCF-style: chr2-51028036-C-T. GRCh37 (hg19) VCF-style: chr2-51255174-C-T.
Other names: c.238G>A, p.Glu80Lys (NM_001135659.3, NM_001330077.2, NM_001330079.2 and 15 more transcripts); short protein forms E80K.
Identifiers: ClinVar variation 1499477 (VCV001499477.6), dbSNP rs2105332964, ClinGen allele CA346824398.